The following is an entry in ClinVar:

ClinVar aggregate classification (germline): Uncertain significance (1 of 4 stars; one submission).

Conditions:
Wilms tumor 1 (WT1). Also called: Wilms tumor, somatic. Identifiers: Orphanet 654, MedGen CN033288, MONDO:0008679, OMIM 194070.
11p partial monosomy syndrome (WAGR). Also called: WAGR Complex; WAGR Spectrum Disorder; CHROMOSOME 11p13 DELETION SYNDROME; WAGR syndrome. Identifiers: Orphanet 893, MedGen C0206115, MONDO:0008681, OMIM 194072.
Drash syndrome (DDS). Also called: NEPHROPATHY, WILMS TUMOR, AND GENITAL ANOMALIES; WILMS TUMOR AND PSEUDO- OR TRUE HERMAPHRODITISM. Identifiers: Orphanet 220, MedGen C0950121, MONDO:0008682, OMIM 194080.
Frasier syndrome. Identifiers: Orphanet 347, MedGen C0950122, MeSH D052159, MONDO:0007635, OMIM 136680.

Allele frequency attached by ClinVar (database versions not stated): gnomAD exomes below 0.00001.
gnomAD v4.1: 2 of 1,613,600 alleles (0.00012%); highest among the groups gnomAD compares: Non-Finnish European, 0.00017%; no homozygotes.

Submission:

Labcorp Genetics (formerly Invitae), Labcorp
Classification: Uncertain significance for Wilms tumor 1; Drash syndrome; 11p partial monosomy syndrome; Frasier syndrome. Last evaluated: 2021-11-24. Review status: criteria provided, single submitter. Criteria: Invitae Variant Classification Sherloc (09022015). Collection method: clinical testing. Allele origin: germline.
Comment: This variant is not present in population databases (gnomAD no frequency). In summary, the available evidence is currently insufficient to determine the role of this variant in disease. Therefore, it has been classified as a Variant of Uncertain Significance. Variants that disrupt the consensus splice site are a relatively common cause of aberrant splicing (PMID: 17576681, 9536098). Algorithms developed to predict the effect of sequence changes on RNA splicing suggest that this variant is not likely to affect RNA splicing. This variant has not been reported in the literature in individuals affected with WT1-related conditions. This sequence change falls in intron 9 of the WT1 gene. It does not directly change the encoded amino acid sequence of the WT1 protein. It affects a nucleotide within the consensus splice site.

Literature cited by the submitters: PubMed 17576681; PubMed 9536098.

NM_024426.6(WT1):c.1447+3G>A

Gene: WT1 (WT1 transcription factor; minus strand). Cytogenetic location: 11p13.
Variant type: single nucleotide variant.
Coding change: c.1447+3G>A on transcript NM_024426.6 (MANE Select); 3 bases into the intron after coding-DNA position 1447, G replaced by A.
Molecular consequence: intron variant.
Genome position (GRCh38, 1-based): chr11:32,391,969, C>T on the plus strand (G>A on the coding strand, the complement: WT1 is on the minus strand). VCF-style: chr11-32391969-C-T. GRCh37 (hg19) VCF-style: chr11-32413515-C-T.
Other names: c.1273+3G>A (NM_001407050.1); c.1315+12G>A (NM_001407047.1); c.1306+3G>A (NM_001407048.1); c.1303+697G>A (NM_001407049.1); c.1387+12G>A (NM_000378.6); c.1396+3G>A (NM_001407045.1); c.1432+12G>A (NM_001407044.1); c.1354+697G>A (NM_001407046.1); and 5 more.
Identifiers: ClinVar variation 1386833 (VCV001386833.7), dbSNP rs2132913499, ClinGen allele CA2573146198.